The following is an entry in ClinVar:

ClinVar aggregate classification (germline): Uncertain significance. Review status: criteria provided, multiple submitters, no conflicts (2 of 4 stars). 4 submissions from 4 submitters: Uncertain significance (4). Last evaluated 2026-01-24.

Conditions:
Exercise-induced hyperinsulinism (HHF7). Identifiers: Orphanet 165991, MedGen C1864902, MONDO:0012396, OMIM 610021.

Allele frequency attached by ClinVar (database versions not stated): TOPMed 0.00019; gnomAD 0.00020 and 0.00021.
gnomAD v4.1: 563 of 1,614,076 alleles (0.035%); highest among the groups gnomAD compares: Non-Finnish European, 0.046%; no homozygotes.

Submissions (4):

Labcorp Genetics (formerly Invitae), Labcorp
Classification: Uncertain significance. Last evaluated: 2026-01-24. Review status: criteria provided, single submitter. Criteria: Invitae Variant Classification Sherloc (09022015). Collection method: clinical testing. Allele origin: germline.
Comment: This sequence change replaces glutamic acid, which is acidic and polar, with valine, which is neutral and non-polar, at codon 456 of the SLC16A1 protein (p.Glu456Val). This variant is present in population databases (rs554138665, gnomAD 0.02%). This variant has not been reported in the literature in individuals affected with SLC16A1-related conditions. ClinVar contains an entry for this variant (Variation ID: 875941). An algorithm developed to predict the effect of missense changes on protein structure and function (PolyPhen-2) suggests that this variant is likely to be tolerated. In summary, the available evidence is currently insufficient to determine the role of this variant in disease. Therefore, it has been classified as a Variant of Uncertain Significance.

Women's Health and Genetics/Laboratory Corporation of America, LabCorp
Classification: Uncertain significance. Last evaluated: 2025-04-24. Review status: criteria provided, single submitter. Criteria: LabCorp Variant Classification Summary - May 2015. Collection method: clinical testing. Allele origin: germline.
Comment: Variant summary: SLC16A1 c.1367A>T (p.Glu456Val) results in a non-conservative amino acid change in the encoded protein sequence. Three of five in-silico tools predict a damaging effect of the variant on protein function. The variant allele was found at a frequency of 0.0001 in 251452 control chromosomes. This frequency is not significantly higher than estimated for a pathogenic variant in SLC16A1 causing SLC16A1 Related Disorders, allowing no conclusion about variant significance. To our knowledge, no occurrence of c.1367A>T in individuals affected with SLC16A1 Related Disorders and no experimental evidence demonstrating its impact on protein function have been reported. ClinVar contains an entry for this variant (Variation ID: 875941). Based on the evidence outlined above, the variant was classified as uncertain significance.

Greenwood Genetic Center Diagnostic Laboratories, Greenwood Genetic Center
Classification: Uncertain significance. Last evaluated: 2024-04-23. Review status: criteria provided, single submitter. Criteria: ACMG Guidelines, 2015. Collection method: clinical testing. Allele origin: germline. Affected: yes.
Comment: BP4

Illumina Laboratory Services, Illumina
Classification: Uncertain significance for Exercise-induced hyperinsulinism. Last evaluated: 2017-04-27. Review status: criteria provided, single submitter. Criteria: ICSL Variant Classification Criteria 13 December 2019. Collection method: clinical testing. Allele origin: germline.

NM_003051.4(SLC16A1):c.1367A>T (p.Glu456Val)

Gene: SLC16A1 (solute carrier family 16 member 1; minus strand). Cytogenetic location: 1p13.2.
Variant type: single nucleotide variant.
Coding change: c.1367A>T on transcript NM_003051.4 (MANE Select); coding-DNA position 1367, A replaced by T.
Protein change: p.Glu456Val; replaces glutamic acid 456 with valine.
Molecular consequence: missense variant.
Genome position (GRCh38, 1-based): chr1:112,914,027, T>A on the plus strand (A>T on the coding strand, the complement: SLC16A1 is on the minus strand). VCF-style: chr1-112914027-T-A. GRCh37 (hg19) VCF-style: chr1-113456649-T-A.
Other names: c.1367A>T, p.Glu456Val (NM_001166496.2); short protein forms E456V.
Identifiers: ClinVar variation 875941 (VCV000875941.11), dbSNP rs554138665, ClinGen allele CA1011252.